The following is an entry in ClinVar:

ClinVar aggregate classification (germline): Likely benign. Review status: criteria provided, multiple submitters, no conflicts (2 of 4 stars). 2 submissions from 2 submitters: Likely benign (2). Last evaluated 2018-06-14.

Allele frequency attached by ClinVar (database versions not stated): gnomAD exomes 0.00122 and 0.00270; ExAC 0.00428; 1000 Genomes Project 0.00879; 1000 Genomes Project 30x 0.00968; ESP Exome Variant Server 0.00971; gnomAD 0.01028 and 0.01101; TOPMed 0.01172.
gnomAD v4.1: 3,350 of 1,548,258 alleles (0.22%); highest among the groups gnomAD compares: African/African-American, 3.5%; 54 homozygotes.

Submissions (2):

GeneDx
Classification: Likely benign. Last evaluated: 2018-06-14. Review status: criteria provided, single submitter. Criteria: GeneDx Variant Classification (06012015). Collection method: clinical testing. Allele origin: germline. Affected: yes.
Comment: This variant is considered likely benign or benign based on one or more of the following criteria: it is a conservative change, it occurs at a poorly conserved position in the protein, it is predicted to be benign by multiple in silico algorithms, and/or has population frequency not consistent with disease.

Breakthrough Genomics
Classification: Likely benign. Review status: criteria provided, single submitter. Criteria: ACMG Guidelines, 2015. Collection method: not provided. Allele origin: germline. Inheritance: Autosomal dominant inheritance. Affected: yes.

NM_000093.5(COL5A1):c.3906+34A>G

Gene: COL5A1 (collagen type V alpha 1 chain; plus strand). Cytogenetic location: 9q34.3.
Variant type: single nucleotide variant.
Coding change: c.3906+34A>G on transcript NM_000093.5 (MANE Select); 34 bases into the intron after coding-DNA position 3906, A replaced by G.
Molecular consequence: intron variant.
Genome position (GRCh38, 1-based): chr9:134,814,070, A>G. VCF-style: chr9-134814070-A-G. GRCh37 (hg19) VCF-style: chr9-137705916-A-G.
Other names: c.3906+34A>G (NM_001278074.1).
Identifiers: ClinVar variation 675602 (VCV000675602.2), dbSNP rs113940604, ClinGen allele CA5320072.
Genomic context (GRCh38, chr9:134,814,070, plus strand): 5'-GGCCTTCCGGGAGAAGGCGGCCCCCCGGTGAGTGAGCGGGCGCTGCGGGAGGGGTGGGAT[A>G]TGGCCGAGCGGGTGTGTGGACGGGGTGCTGGGTTGGAGGCTCTGGCTCTGCCTTAGCTTT-3'